The following is an entry in ClinVar:

ClinVar aggregate classification (germline): Uncertain significance. Review status: criteria provided, multiple submitters, no conflicts (2 of 4 stars). 2 submissions from 2 submitters: Uncertain significance (2). Last evaluated 2024-07-23.

Conditions:
Inborn genetic diseases. Identifiers: MedGen C0950123, MeSH D030342.

Allele frequency attached by ClinVar (database versions not stated): gnomAD exomes below 0.00001; TOPMed 0.00001.
gnomAD v4.1: 1 of 1,614,004 alleles (0.000062%); highest among the groups gnomAD compares: Non-Finnish European, 0.000085%; no homozygotes.

Submissions (2):

Labcorp Genetics (formerly Invitae), Labcorp
Classification: Uncertain significance. Last evaluated: 2024-07-23. Review status: criteria provided, single submitter. Criteria: Invitae Variant Classification Sherloc (09022015). Collection method: clinical testing. Allele origin: germline.
Comment: This sequence change replaces proline, which is neutral and non-polar, with threonine, which is neutral and polar, at codon 1791 of the VCAN protein (p.Pro1791Thr). This variant is present in population databases (no rsID available, gnomAD 0.0009%). This variant has not been reported in the literature in individuals affected with VCAN-related conditions. ClinVar contains an entry for this variant (Variation ID: 2304778). An algorithm developed to predict the effect of missense changes on protein structure and function (PolyPhen-2) suggests that this variant is likely to be tolerated. In summary, the available evidence is currently insufficient to determine the role of this variant in disease. Therefore, it has been classified as a Variant of Uncertain Significance.

Ambry Genetics
Classification: Uncertain significance for Inborn genetic diseases. Last evaluated: 2022-08-02. Review status: criteria provided, single submitter. Criteria: Ambry Variant Classification Scheme 2023. Collection method: clinical testing. Allele origin: germline.

NM_004385.5(VCAN):c.5371C>A (p.Pro1791Thr)

Genes: VCAN (versican; plus strand), VCAN-AS1 (VCAN antisense RNA 1; minus strand). Cytogenetic location: 5q14.3.
Variant type: single nucleotide variant.
Coding change: c.5371C>A on transcript NM_004385.5 (MANE Select); coding-DNA position 5371, C replaced by A.
Protein change: p.Pro1791Thr; replaces proline 1791 with threonine.
Molecular consequence: missense variant. On other transcripts: intron variant (2).
Genome position (GRCh38, 1-based): chr5:83,538,374, C>A. VCF-style: chr5-83538374-C-A. GRCh37 (hg19) VCF-style: chr5-82834193-C-A.
Other names: c.4004-7163C>A (NM_001164098.2); c.1043-7163C>A (NM_001126336.3); c.2410C>A, p.Pro804Thr (NM_001164097.2); short protein forms P804T, P1791T.
Identifiers: ClinVar variation 2304778 (VCV002304778.4), dbSNP rs1308577531, ClinGen allele CA360310265.